The following is an entry in ClinVar:

ClinVar aggregate classification (germline): Uncertain significance (1 of 4 stars; one submission).

Conditions:
Generalized juvenile polyposis/juvenile polyposis coli. Also called: Juvenile polyposis coli. Identifiers: Orphanet 329971, MedGen C1868081, MONDO:0008276.

Submission:

Labcorp Genetics (formerly Invitae), Labcorp
Classification: Uncertain significance for Juvenile polyposis syndrome. Last evaluated: 2019-05-24. Review status: criteria provided, single submitter. Criteria: Invitae Variant Classification Sherloc (09022015). Collection method: clinical testing. Allele origin: germline.
Comment: This variant results in a copy number gain of the genomic region encompassing the full coding sequence of the BMPR1A gene. The boundaries of this event are unknown as they extend beyond the assayed region for this gene and therefore may encompass additional genes. As the precise location of this event is unknown, it may be in tandem or it may be located elsewhere in the genome. This variant has not been reported in the literature in individuals with BMPR1A-related disease. In summary, the available evidence is currently insufficient to determine the role of this variant in disease. Therefore, it has been classified as a Variant of Uncertain Significance.

NC_000010.11:g.(?_86755016)_(86923725_?)dup

Gene: BMPR1A (bone morphogenetic protein receptor type 1A; plus strand). Cytogenetic location: 10q23.2.
Variant type: Duplication.
Identifiers: ClinVar variation 830613 (VCV000830613.1).